The following is an entry in ClinVar:

NM_000337.6(SGCD):c.192+121G>A

Gene: SGCD (sarcoglycan delta; plus strand). Cytogenetic location: 5q33.3.
Variant type: single nucleotide variant.
Coding change: c.192+121G>A on transcript NM_000337.6 (MANE Select); 121 bases into the intron after coding-DNA position 192, G replaced by A.
Molecular consequence: intron variant.
Genome position (GRCh38, 1-based): chr5:156,344,798, G>A. VCF-style: chr5-156344798-G-A. GRCh37 (hg19) VCF-style: chr5-155771808-G-A.
Other names: c.189+121G>A (NM_001128209.2); c.192+121G>A (NM_172244.3).
Identifiers: ClinVar variation 675792 (VCV000675792.2), dbSNP rs114976142, ClinGen allele CA130594232.
Genomic context (GRCh38, chr5:156,344,798, plus strand): 5'-TGATGAAGGAATGTGGAAAAGTGATATTATTACAGTAGGACTCAAAAAATCTGTAACCTC[G>A]TGTTTTGGTGAAAGAGCATTTCTGTTCAGATTGAATATGGATATTGACTTCTATCTAATC-3'

ClinVar aggregate classification (germline): Likely benign. Review status: criteria provided, multiple submitters, no conflicts (2 of 4 stars). 2 submissions from 2 submitters: Likely benign (2). Last evaluated 2018-06-19.

Allele frequency attached by ClinVar (database versions not stated): gnomAD exomes 0.00060; gnomAD 0.00618 and 0.00655; 1000 Genomes Project 0.00619; 1000 Genomes Project 30x 0.00640; TOPMed 0.00695.
gnomAD v4.1: 1,294 of 673,808 alleles (0.19%); highest among the groups gnomAD compares: African/African-American, 2%; 19 homozygotes.

Submissions (2):

GeneDx
Classification: Likely benign. Last evaluated: 2018-06-19. Review status: criteria provided, single submitter. Criteria: GeneDx Variant Classification (06012015). Collection method: clinical testing. Allele origin: germline. Affected: yes.
Comment: This variant is considered likely benign or benign based on one or more of the following criteria: it is a conservative change, it occurs at a poorly conserved position in the protein, it is predicted to be benign by multiple in silico algorithms, and/or has population frequency not consistent with disease.

Breakthrough Genomics
Classification: Likely benign. Review status: criteria provided, single submitter. Criteria: ACMG Guidelines, 2015. Collection method: not provided. Allele origin: germline. Inheritance: Autosomal recessive inheritance. Affected: yes.